The following is an entry in ClinVar:

NM_000535.7(PMS2):c.726T>A (p.Phe242Leu)

Gene: PMS2 (PMS1 homolog 2, mismatch repair system component; minus strand). Cytogenetic location: 7p22.1.
Variant type: single nucleotide variant.
Coding change: c.726T>A on transcript NM_000535.7 (MANE Select); coding-DNA position 726, T replaced by A.
Protein change: p.Phe242Leu; replaces phenylalanine 242 with leucine.
Molecular consequence: missense variant. On other transcripts: 5 prime UTR variant (2), non-coding transcript variant (1).
Genome position (GRCh38, 1-based): chr7:5,997,403, A>T on the plus strand (T>A on the coding strand, the complement: PMS2 is on the minus strand). VCF-style: chr7-5997403-A-T. GRCh37 (hg19) VCF-style: chr7-6037034-A-T.
Other names: c.321T>A, p.Phe107Leu (NM_001322003.2, NM_001322004.2, NM_001322005.2 and 2 more transcripts); c.726T>A, p.Phe242Leu (NM_001322006.2, NM_001322014.2); c.408T>A, p.Phe136Leu (NM_001322007.2, NM_001322008.2); c.-208T>A (NM_001322011.2, NM_001322012.2); c.153T>A, p.Phe51Leu (NM_001322013.2); c.417T>A, p.Phe139Leu (NM_001322015.2); short protein forms F139L, F242L, F136L, F51L, F107L.
Identifiers: ClinVar variation 923168 (VCV000923168.12), dbSNP rs1346863182, ClinGen allele CA366743758.
Genomic context (GRCh38, chr7:5,997,403, plus strand): 5'-AGCATCGGAACAGCTCAAACCGTACTCTTCACACACGGAGTCACTAGGGGGCAGCTGAAC[A>T]AAAGGAATGAGGCTTTGCAACTGAAAAAAAAAAAAAAAAATTCACAGTTACTTCCTAATA-3'
Protein context (NP_000526.2, residues 232-252): GQKQLQSLIP[Phe242Leu]VQLPPSDSVC

ClinVar aggregate classification (germline): Uncertain significance. Review status: criteria provided, multiple submitters, no conflicts (2 of 4 stars). 2 submissions from 2 submitters: Uncertain significance (2). Last evaluated 2024-03-06.

Conditions:
Hereditary cancer-predisposing syndrome. Also called: Neoplastic Syndromes, Hereditary; Tumor predisposition; Hereditary Cancer Syndrome; Hereditary neoplastic syndrome. Identifiers: Orphanet 140162, MedGen C0027672, MeSH D009386, MONDO:0015356.
Hereditary nonpolyposis colorectal neoplasms. Identifiers: MedGen C0009405, MeSH D003123.

Submissions (2):

Color Diagnostics, LLC DBA Color Health
Classification: Uncertain significance for Hereditary cancer-predisposing syndrome. Last evaluated: 2024-03-06. Review status: criteria provided, single submitter. Criteria: ACMG Guidelines, 2015. Collection method: clinical testing. Allele origin: germline.
Comment: This missense variant replaces phenylalanine with leucine at codon 242 of the PMS2 protein. Computational prediction is inconclusive regarding the impact of this variant on protein structure and function (internally defined REVEL score threshold 0.5 < inconclusive < 0.7, PMID: 27666373). Splice site prediction tools suggest that this variant may not impact RNA splicing. To our knowledge, functional studies have not been performed for this variant. This variant has not been reported in individuals affected with hereditary cancer in the literature. This variant has not been identified in the general population by the Genome Aggregation Database (gnomAD). The available evidence is insufficient to determine the role of this variant in disease conclusively. Therefore, this variant is classified as a Variant of Uncertain Significance.

Labcorp Genetics (formerly Invitae), Labcorp
Classification: Uncertain significance for Hereditary nonpolyposis colorectal neoplasms. Last evaluated: 2022-05-04. Review status: criteria provided, single submitter. Criteria: Invitae Variant Classification Sherloc (09022015). Collection method: clinical testing. Allele origin: germline.
Comment: This variant has not been reported in the literature in individuals affected with PMS2-related conditions. In summary, the available evidence is currently insufficient to determine the role of this variant in disease. Therefore, it has been classified as a Variant of Uncertain Significance. Algorithms developed to predict the effect of sequence changes on RNA splicing suggest that this variant may create or strengthen a splice site. Advanced modeling of protein sequence and biophysical properties (such as structural, functional, and spatial information, amino acid conservation, physicochemical variation, residue mobility, and thermodynamic stability) performed at Invitae indicates that this missense variant is not expected to disrupt PMS2 protein function. ClinVar contains an entry for this variant (Variation ID: 923168). This variant is not present in population databases (gnomAD no frequency). This sequence change replaces phenylalanine, which is neutral and non-polar, with leucine, which is neutral and non-polar, at codon 242 of the PMS2 protein (p.Phe242Leu).